The following is an entry in ClinVar:

ClinVar aggregate classification (germline): Likely benign (1 of 4 stars; one submission).

gnomAD v4.1: 365 of 1,614,044 alleles (0.023%); highest among the groups gnomAD compares: Non-Finnish European, 0.03%; no homozygotes.

Submission:

CeGaT Center for Human Genetics Tuebingen
Classification: Likely benign. Last evaluated: 2026-09-01. Review status: criteria provided, single submitter. Criteria: CeGaT Center For Human Genetics Tuebingen Variant Classification Criteria Version 2. Collection method: clinical testing. Allele origin: germline. Affected: yes. Observed: 2 variant alleles.
Comment: THSD4: BP4, BP7

NM_024817.3(THSD4):c.573A>G (p.Arg191=)

Gene: THSD4 (thrombospondin type 1 domain containing 4; plus strand). Cytogenetic location: 15q23.
Variant type: single nucleotide variant.
Coding change: c.573A>G on transcript NM_024817.3 (MANE Select); coding-DNA position 573, A replaced by G.
Protein change: p.Arg191=; no amino-acid change (arginine 191 retained).
Molecular consequence: synonymous variant.
Genome position (GRCh38, 1-based): chr15:71,242,757, A>G. VCF-style: chr15-71242757-A-G. GRCh37 (hg19) VCF-style: chr15-71535096-A-G.
Other names: c.573A>G, p.Arg191= (NM_001394532.1).
Identifiers: ClinVar variation 3898261 (VCV003898261.7).